The following is an entry in ClinVar:

ClinVar aggregate classification (germline): Uncertain significance (1 of 4 stars; one submission).

gnomAD v4.1: 9 of 1,608,506 alleles (0.00056%); highest among the groups gnomAD compares: Non-Finnish European, 0.00068%; no homozygotes.

Submission:

Labcorp Genetics (formerly Invitae), Labcorp
Classification: Uncertain significance. Last evaluated: 2025-11-12. Review status: criteria provided, single submitter. Criteria: Invitae Variant Classification Sherloc (09022015). Collection method: clinical testing. Allele origin: germline.
Comment: This sequence change creates a premature translational stop signal (p.Gln122*) in the P2RX2 gene. It is expected to result in an absent or disrupted protein product. However, the current clinical and genetic evidence is not sufficient to establish whether loss-of-function variants in P2RX2 cause disease. This variant is present in population databases (rs773553832, gnomAD 0.0009%). This variant has not been reported in the literature in individuals affected with P2RX2-related conditions. Algorithms developed to predict the effect of sequence changes on RNA splicing suggest that this variant may disrupt the consensus splice site. In summary, the available evidence is currently insufficient to determine the role of this variant in disease. Therefore, it has been classified as a Variant of Uncertain Significance.

NM_170682.4(P2RX2):c.364C>T (p.Gln122Ter)

Gene: P2RX2 (purinergic receptor P2X 2; plus strand). Cytogenetic location: 12q24.33.
Variant type: single nucleotide variant.
Coding change: c.364C>T on transcript NM_170682.4 (MANE Select); coding-DNA position 364, C replaced by T.
Protein change: p.Gln122Ter; replaces glutamine 122 with a stop codon.
Molecular consequence: nonsense. On other transcripts: intron variant (4).
Genome position (GRCh38, 1-based): chr12:132,619,733, C>T. VCF-style: chr12-132619733-C-T. GRCh37 (hg19) VCF-style: chr12-133196319-C-T.
Other names: c.364C>T, p.Gln122Ter (NM_001282165.2, NM_170683.4, NM_174873.3); c.310-111C>T (NM_016318.4, NM_001282164.2); c.241+159C>T (NM_012226.5); c.106-111C>T (NM_174872.3); short protein forms Q122*.
Identifiers: ClinVar variation 4768044 (VCV004768044.1).
Genomic context (GRCh38, chr12:132,619,733, plus strand): 5'-GCCCAGGGGGGCAGCGTGTTCAGCATCATCACCAGGGTCGAGGCCACCCACTCCCAGACC[C>T]AGGGAACCTGCCCCGAGGTGAGGGGATCCCGCGGCGCTGGGGGACCCCGCCTCAGCTAGG-3'